The following is an entry in ClinVar:

NM_024334.3(TMEM43):c.781-278A>G

Gene: TMEM43 (transmembrane protein 43; plus strand). Cytogenetic location: 3p25.1.
Variant type: single nucleotide variant.
Coding change: c.781-278A>G on transcript NM_024334.3 (MANE Select); 278 bases into the intron before coding-DNA position 781, A replaced by G.
Molecular consequence: intron variant.
Genome position (GRCh38, 1-based): chr3:14,135,529, A>G. VCF-style: chr3-14135529-A-G. GRCh37 (hg19) VCF-style: chr3-14177029-A-G.
Other names: NC_000003.11:g.14177029A>G.
Identifiers: ClinVar variation 669599 (VCV000669599.2), dbSNP rs78942892, ClinGen allele CA69731887.

ClinVar aggregate classification (germline): Benign (1 of 4 stars; one submission).

Allele frequency attached by ClinVar (database versions not stated): 1000 Genomes Project 0.02396; 1000 Genomes Project 30x 0.02530; gnomAD 0.02538 and 0.02349; TOPMed 0.02655.
gnomAD v4.1: 3,544 of 152,250 alleles (2.3%); highest among the groups gnomAD compares: African/African-American, 8%; 131 homozygotes.

Submissions (2):

GeneDx
Classification: Benign. Last evaluated: 2018-06-14. Review status: criteria provided, single submitter. Criteria: GeneDx Variant Classification (06012015). Collection method: clinical testing. Allele origin: germline. Affected: yes.
Comment: This variant is considered likely benign or benign based on one or more of the following criteria: it is a conservative change, it occurs at a poorly conserved position in the protein, it is predicted to be benign by multiple in silico algorithms, and/or has population frequency not consistent with disease.

Dr. Peter K. Rogan Lab, Western University
No classification provided (evidence only). Condition: Sarcoma. Review status: no classification provided. Collection method: in vitro. Allele origin: not applicable. Functional consequence: retained intron. Not counted in ClinVar's aggregate classification.